The following is an entry in ClinVar:

ClinVar aggregate classification (germline): Likely pathogenic (1 of 4 stars; one submission).

Conditions:
Familial cancer of breast. Also called: Hereditary breast cancer; BREAST CANCER, FAMILIAL; hereditary breast carcinoma. Identifiers: Orphanet 227535, MedGen C0346153, MONDO:0016419, OMIM 114480. Disease mechanism: loss of function.

Submission:

Myriad Genetics, Inc.
Classification: Likely pathogenic for Familial cancer of breast. Last evaluated: 2023-09-06. Review status: criteria provided, single submitter. Criteria: Myriad Autosomal Dominant, Autosomal Recessive and X-Linked Classification Criteria (2023). Collection method: clinical testing. Allele origin: unknown.
Comment: This variant is considered likely pathogenic. This variant is located within the gene translation start codon (p.Met1?) and is predicted to result in abnormal protein translation.

NM_024675.4(PALB2):c.3G>T (p.Met1Ile)

Gene: PALB2 (partner and localizer of BRCA2; minus strand). Cytogenetic location: 16p12.2.
Variant type: single nucleotide variant.
Coding change: c.3G>T on transcript NM_024675.4 (MANE Select); coding-DNA position 3, G replaced by T.
Protein change: p.Met1Ile; changes the start codon (methionine 1).
Molecular consequence: missense variant, initiator codon variant. On other transcripts: 5 prime UTR variant (10).
Genome position (GRCh38, 1-based): chr16:23,641,155, C>A on the plus strand (G>T on the coding strand, the complement: PALB2 is on the minus strand). VCF-style: chr16-23641155-C-A. GRCh37 (hg19) VCF-style: chr16-23652476-C-A.
Other names: c.3G>T, p.Met1Ile (NM_001407296.1, NM_001407297.1, NM_001407298.1 and 5 more transcripts); c.-1741G>T (NM_001407304.1, NM_001407310.1); c.-1017G>T (NM_001407305.1, NM_001407307.1, NM_001407309.1 and 1 more transcripts); c.-866G>T (NM_001407306.1, NM_001407308.1); c.-150G>T (NM_001407312.1, NM_001407313.1); short protein forms M1I.
Identifiers: ClinVar variation 2673831 (VCV002673831.1), dbSNP rs1057517585, ClinGen allele CA395141271.